The following is an entry in ClinVar:

NM_001142800.2(EYS):c.7430_7433del (p.Phe2477fs)

Gene: EYS (EGF-like photoreceptor maintenance factor; minus strand). Cytogenetic location: 6q12.
Variant type: Deletion.
Coding change: c.7430_7433del on transcript NM_001142800.2 (MANE Select); coding-DNA positions 7430 to 7433, 4 bases deleted (TCCT; older notation c.7430_7433delTCCT).
Protein change: p.Phe2477fs; shifts the reading frame from phenylalanine 2477.
Molecular consequence: frameshift variant.
Genome position (GRCh38, 1-based): chr6:63,789,203-63,789,206, AGGA deleted on the plus strand (TCCT on the coding strand, the reverse complement: EYS is on the minus strand); deleting any 4 consecutive bases within chr6:63,789,203-63,789,208 gives the same sequence; the c. name uses the placement nearest the transcript's 3' end. VCF-style (leftmost placement, unchanged base first): chr6-63789202-CAGGA-C. GRCh37 (hg19) VCF-style: chr6-64499095-CAGGA-C.
Other names: c.7430_7433del, p.Phe2477fs (NM_001292009.2); short protein forms F2477fs.
Identifiers: ClinVar variation 2127582 (VCV002127582.4), dbSNP rs2533542251, ClinGen allele CA2580075627.
Genomic context (GRCh38, chr6:63,789,202, plus strand): 5'-TGCTATGCCAGACCCCAGGTTATAACTATAAACCACACTGCCATTGAGCAGGCCCACAGC[CAGGA>C]AGTCATCGCCATTCAACCCTGGAATGAGAAGACACATGGGGAATGCTCACTGAGAGGAAA-3'

ClinVar aggregate classification (germline): Pathogenic (1 of 4 stars; one submission).

Submission:

Labcorp Genetics (formerly Invitae), Labcorp
Classification: Pathogenic. Last evaluated: 2022-04-18. Review status: criteria provided, single submitter. Criteria: Invitae Variant Classification Sherloc (09022015). Collection method: clinical testing. Allele origin: germline.
Comment: For these reasons, this variant has been classified as Pathogenic. This variant has not been reported in the literature in individuals affected with EYS-related conditions. This variant is not present in population databases (gnomAD no frequency). This sequence change creates a premature translational stop signal (p.Phe2477Trpfs*20) in the EYS gene. It is expected to result in an absent or disrupted protein product. Loss-of-function variants in EYS are known to be pathogenic (PMID: 18836446, 20333770).

Literature cited by the submitters: PubMed 18836446; PubMed 20333770.